The following is an entry in ClinVar:

NM_000263.4(NAGLU):c.1717A>G (p.Ser573Gly)

Gene: NAGLU (N-acetyl-alpha-glucosaminidase; plus strand). Cytogenetic location: 17q21.2.
Variant type: single nucleotide variant.
Coding change: c.1717A>G on transcript NM_000263.4 (MANE Select); coding-DNA position 1717, A replaced by G.
Protein change: p.Ser573Gly; replaces serine 573 with glycine.
Molecular consequence: missense variant.
Genome position (GRCh38, 1-based): chr17:42,543,723, A>G. VCF-style: chr17-42543723-A-G. GRCh37 (hg19) VCF-style: chr17-40695741-A-G.
Other names: c.1717A>G (NM_000263.3); short protein forms S573G.
Identifiers: ClinVar variation 2164060 (VCV002164060.2), dbSNP rs369131160, ClinGen allele CA8577082.

ClinVar aggregate classification (germline): Uncertain significance. Review status: criteria provided, multiple submitters, no conflicts (2 of 4 stars). 2 submissions from 2 submitters: Uncertain significance (2). Last evaluated 2022-06-21.

Conditions:
Inborn genetic diseases. Identifiers: MedGen C0950123, MeSH D030342.
Charcot-Marie-Tooth disease axonal type 2V. Also called: CHARCOT-MARIE-TOOTH NEUROPATHY, TYPE 2V; CHARCOT-MARIE-TOOTH DISEASE, AXONAL, AUTOSOMAL DOMINANT, TYPE 2V. Identifiers: Orphanet 447964, MedGen C5569050, MONDO:0014665, OMIM 616491.
Mucopolysaccharidosis, MPS-III-B (MPS3B). Also called: N-ACETYL-ALPHA-D-GLUCOSAMINIDASE DEFICIENCY; NAGLU DEFICIENCY; SANFILIPPO SYNDROME B; MPS III B; MUCOPOLYSACCHARIDOSIS, TYPE IIIB; MPS IIIB (Sanfilippo Syndrome Type B). Identifiers: Orphanet 79270, MedGen C0086648, MONDO:0009656, OMIM 252920.

Allele frequency attached by ClinVar (database versions not stated): ExAC 0.00002; gnomAD exomes 0.00003; ESP Exome Variant Server 0.00008; gnomAD 0.00004; TOPMed 0.00002.
gnomAD v4.1: 23 of 1,611,900 alleles (0.0014%); highest among the groups gnomAD compares: Non-Finnish European, 0.0019%; no homozygotes.

Submissions (2):

Ambry Genetics
Classification: Uncertain significance for Inborn genetic diseases. Last evaluated: 2022-06-21. Review status: criteria provided, single submitter. Criteria: Ambry Variant Classification Scheme 2023. Collection method: clinical testing. Allele origin: germline.

Labcorp Genetics (formerly Invitae), Labcorp
Classification: Uncertain significance for Charcot-Marie-Tooth disease axonal type 2V; Mucopolysaccharidosis, MPS-III-B. Last evaluated: 2021-09-17. Review status: criteria provided, single submitter. Criteria: Invitae Variant Classification Sherloc (09022015). Collection method: clinical testing. Allele origin: germline.
Comment: This sequence change replaces serine with glycine at codon 573 of the NAGLU protein (p.Ser573Gly). The serine residue is moderately conserved and there is a small physicochemical difference between serine and glycine. This variant is present in population databases (rs369131160, ExAC 0.003%). This variant has not been reported in the literature in individuals with NAGLU-related conditions. Algorithms developed to predict the effect of missense changes on protein structure and function (SIFT, PolyPhen-2, Align-GVGD) all suggest that this variant is likely to be tolerated, but these predictions have not been confirmed by published functional studies and their clinical significance is uncertain. In summary, the available evidence is currently insufficient to determine the role of this variant in disease. Therefore, it has been classified as a Variant of Uncertain Significance.